The following is an entry in ClinVar:

ClinVar aggregate classification (germline): Likely benign. Review status: criteria provided, multiple submitters, no conflicts (2 of 4 stars). 6 submissions from 6 submitters: Likely benign (5). 1 of the submissions does not count toward it. Last evaluated 2026-01-13.

Conditions:
Nephrotic syndrome, type 2 (NPHS2). Also called: NEPHROTIC SYNDROME, STEROID-RESISTANT, AUTOSOMAL RECESSIVE. Identifiers: Orphanet 656, MedGen C1868672, MONDO:0010974, OMIM 600995.
NPHS2-related disorder. Also called: NPHS2-related condition.
Steroid-resistant nephrotic syndrome. Identifiers: MedGen C0403397, MONDO:0044765, HP:0012588.

Allele frequency attached by ClinVar (database versions not stated): TOPMed 0.00034; ExAC 0.00011; 1000 Genomes Project 30x 0.00016; gnomAD 0.00030 and 0.00031.
gnomAD v4.1: 135 of 1,543,834 alleles (0.0087%); highest among the groups gnomAD compares: African/African-American, 0.12%; no homozygotes.

Submissions (6):

Labcorp Genetics (formerly Invitae), Labcorp
Classification: Likely benign. Last evaluated: 2026-01-13. Review status: criteria provided, single submitter. Criteria: Invitae Variant Classification Sherloc (09022015). Collection method: clinical testing. Allele origin: germline.

PreventionGenetics, part of Exact Sciences
Classification: Likely benign for NPHS2-related condition. Last evaluated: 2025-06-17. Review status: criteria provided, single submitter. Criteria: ACMG Guidelines, 2015. Collection method: clinical testing. Allele origin: germline.
Comment: This variant is classified as likely benign based on ACMG/AMP sequence variant interpretation guidelines (Richards et al. 2015 PMID: 25741868, with internal and published modifications).

Genome-Nilou Lab
Classification: Likely benign for Nephrotic syndrome, type 2. Last evaluated: 2023-04-11. Review status: criteria provided, single submitter. Criteria: ACMG Guidelines, 2015. Collection method: clinical testing. Allele origin: germline. Affected: no.

CeGaT Center for Human Genetics Tuebingen
Classification: Likely benign. Last evaluated: 2022-06-01. Review status: criteria provided, single submitter. Criteria: CeGaT Center For Human Genetics Tuebingen Variant Classification Criteria Version 2. Collection method: clinical testing. Allele origin: germline. Affected: yes. Observed: 1 variant allele.
Comment: NPHS2: BP4, BP7

Fulgent Genetics
Classification: Likely benign for Nephrotic syndrome, type 2. Last evaluated: 2021-08-09. Review status: criteria provided, single submitter. Criteria: ACMG Guidelines, 2015. Collection method: clinical testing. Allele origin: unknown.

Natera, Inc.
Classification: Likely benign for Steroid-resistant nephrotic syndrome. Last evaluated: 2020-02-24. Review status: no assertion criteria provided. Collection method: clinical testing. Allele origin: germline. Not counted in ClinVar's aggregate classification.

NM_014625.4(NPHS2):c.144C>T (p.Ser48=)

Gene: NPHS2 (NPHS2 stomatin family member, podocin; minus strand). Cytogenetic location: 1q25.2.
Variant type: single nucleotide variant.
Coding change: c.144C>T on transcript NM_014625.4 (MANE Select); coding-DNA position 144, C replaced by T.
Protein change: p.Ser48=; no amino-acid change (serine 48 retained).
Molecular consequence: synonymous variant.
Genome position (GRCh38, 1-based): chr1:179,575,721, G>A on the plus strand (C>T on the coding strand, the complement: NPHS2 is on the minus strand). VCF-style: chr1-179575721-G-A. GRCh37 (hg19) VCF-style: chr1-179544856-G-A.
Other names: c.144C>T, p.Ser48= (NM_001297575.2).
Identifiers: ClinVar variation 716375 (VCV000716375.37), dbSNP rs111306764, ClinGen allele CA1267307.